The following is an entry in ClinVar:

ClinVar aggregate classification (germline): Likely pathogenic (1 of 4 stars; one submission).

Conditions:
Cardiovascular phenotype. Identifiers: MedGen CN230736.

Submission:

Ambry Genetics
Classification: Likely pathogenic for Cardiovascular phenotype. Last evaluated: 2018-12-31. Review status: criteria provided, single submitter. Criteria: Ambry Variant Classification Scheme 2023. Collection method: clinical testing. Allele origin: germline.
Comment: The c.51294dupC variant, located in coding exon 153 of the TTN gene, results from a duplication of C at nucleotide position 51294, causing a translational frameshift with a predicted alternate stop codon (p.I17099Hfs*11). This exon is located in the A-band region of the N2-B isoform of the titin protein and is constitutively expressed in TTN transcripts (percent spliced in or PSI 100%). While truncating variants in TTN are present in 1-3% of the general population, truncating variants in the A-band are the most common cause of dilated cardiomyopathy (DCM) (Herman DS et al. N Engl J Med. 2012 Feb;366:619-28; Roberts AM et al. Sci Transl Med. 2015 Jan;7:270ra6). TTN truncating variants encoded in constitutive exons (PSI >90%) have been found to be significantly associated with DCM regardless of their position in titin (Schafer S et al. Nat. Genet. 2017 Jan;49:46-53). This alteration is expected to result in loss of function by premature protein truncation or nonsense-mediated mRNA decay. As such, this alteration is classified as likely pathogenic.

NM_001267550.2(TTN):c.78489dup (p.Ile26164fs)

Genes: TTN (titin; minus strand), TTN-AS1 (TTN antisense RNA 1; plus strand). Cytogenetic location: 2q31.2.
Variant type: Duplication.
Coding change: c.78489dup on transcript NM_001267550.2 (MANE Select); coding-DNA position 78489, one base duplicated (C; older notation c.78489dupC).
Protein change: p.Ile26164fs; shifts the reading frame from isoleucine 26164.
Molecular consequence: frameshift variant.
Genome position (GRCh38, 1-based): chr2:178,567,643, G duplicated on the plus strand (C on the coding strand, the reverse complement: TTN is on the minus strand). VCF-style (leftmost placement, unchanged base first): chr2-178567642-T-TG. GRCh37 (hg19) VCF-style: chr2-179432369-T-TG.
Other names: c.73566dup, p.Ile24523fs (NM_001256850.1); c.51294dup, p.Ile17099fs (NM_003319.4); c.70785dup, p.Ile23596fs (NM_133378.4); c.51669dup, p.Ile17224fs (NM_133432.3); c.51870dup, p.Ile17291fs (NM_133437.4); c.51294dupC (NM_003319.4); short protein forms I17099fs, I24523fs, I26164fs, I17291fs, I23596fs, I17224fs.
Identifiers: ClinVar variation 1745516 (VCV001745516.2), dbSNP rs2468331033, ClinGen allele CA2580064753.
Genomic context (GRCh38, chr2:178,567,642, plus strand): 5'-CAGTTATTGGTCCAGTACTGTCAGAGGGTTTACTTATTGCACCAGCTGCATTCTTTGCAA[T>TG]GACTCTGAATTCATATCTTTGATCTTCAGTAAGACCTGACACAGTAAATTGAGTTTCAAT-3'